The following is an entry in ClinVar:

NM_198253.3(TERT):c.3334C>A (p.Leu1112Met)

Gene: TERT (telomerase reverse transcriptase; minus strand). Cytogenetic location: 5p15.33.
Variant type: single nucleotide variant.
Coding change: c.3334C>A on transcript NM_198253.3 (MANE Select); coding-DNA position 3334, C replaced by A.
Protein change: p.Leu1112Met; replaces leucine 1112 with methionine.
Molecular consequence: missense variant. On other transcripts: non-coding transcript variant (2).
Genome position (GRCh38, 1-based): chr5:1,253,793, G>T on the plus strand (C>A on the coding strand, the complement: TERT is on the minus strand). VCF-style: chr5-1253793-G-T. GRCh37 (hg19) VCF-style: chr5-1253908-G-T.
Other names: c.3145C>A, p.Leu1049Met (NM_001193376.3); short protein forms L1049M, L1112M.
Identifiers: ClinVar variation 816668 (VCV000816668.12), dbSNP rs1579541689, ClinGen allele CA359066766.

ClinVar aggregate classification (germline): Conflicting classifications of pathogenicity. Review status: criteria provided, conflicting classifications (1 of 4 stars). 3 submissions from 3 submitters: Uncertain significance (2); Likely benign (1). Last evaluated 2026-07-22.

Conditions:
Idiopathic Pulmonary Fibrosis. Also called: Idiopathic fibrosing alveolitis, chronic form; idiopathic fibrosing alveolitis. Identifiers: Orphanet 2032, MedGen C1800706, MeSH D054990, MONDO:0800504.
Dyskeratosis congenita, autosomal dominant 2. Identifiers: MedGen C3151443, MONDO:0013521, OMIM 613989.
Pulmonary fibrosis and/or bone marrow failure, Telomere-related, 1. Also called: PULMONARY FIBROSIS AND/OR BONE MARROW FAILURE SYNDROME, TELOMERE-RELATED, 1. Identifiers: Orphanet 88, MedGen C3553617, MONDO:0013878, OMIM 614742.
Dyskeratosis congenita. Identifiers: Orphanet 1775, MedGen C0265965, MONDO:0015780.

Submissions (3):

Ambry Genetics
Classification: Likely benign for Dyskeratosis congenita. Last evaluated: 2026-07-22. Review status: criteria provided, single submitter. Criteria: Ambry Variant Classification Scheme 2023. Collection method: clinical testing. Allele origin: germline.

Johns Hopkins Genomics, Johns Hopkins University
Classification: Uncertain significance for Pulmonary fibrosis and/or bone marrow failure, Telomere-related, 1. Last evaluated: 2019-09-16. Review status: criteria provided, single submitter. Criteria: ACMG Guidelines, 2015. Collection method: clinical testing. Allele origin: germline.
Comment: This TERT variant is absent from large population datasets and has not been reported in ClinVar nor the literature, to our knowledge. Two bioinformatic tools queried predict that this substitution would be tolerated, and the leucine residue at this position is poorly evolutionarily conserved across the species assessed. The clinical significance of c.3334C>A is uncertain at this time.

Labcorp Genetics (formerly Invitae), Labcorp
Classification: Uncertain significance for Dyskeratosis congenita, autosomal dominant 2; Idiopathic Pulmonary Fibrosis. Last evaluated: 2019-06-04. Review status: criteria provided, single submitter. Criteria: Invitae Variant Classification Sherloc (09022015). Collection method: clinical testing. Allele origin: germline.
Comment: This variant has not been reported in the literature in individuals with TERT-related conditions. Algorithms developed to predict the effect of missense changes on protein structure and function output the following: SIFT: "Tolerated"; PolyPhen-2: "Benign"; Align-GVGD: "Class C0". The methionine amino acid residue is found in multiple mammalian species, suggesting that this missense change does not adversely affect protein function. These predictions have not been confirmed by published functional studies and their clinical significance is uncertain. In summary, the available evidence is currently insufficient to determine the role of this variant in disease. Therefore, it has been classified as a Variant of Uncertain Significance. This variant is not present in population databases (ExAC no frequency). This sequence change replaces leucine with methionine at codon 1112 of the TERT protein (p.Leu1112Met). The leucine residue is weakly conserved and there is a small physicochemical difference between leucine and methionine.